The following is an entry in ClinVar:

ClinVar aggregate classification (germline): Pathogenic. Review status: no assertion criteria provided (0 of 4 stars). 2 submissions from 2 submitters: Pathogenic (2). Last evaluated 2020-12-16.

Conditions:
Progeroid mandibuloacral dysplasia.
Mandibuloacral dysplasia progeroid syndrome. Identifiers: Orphanet 647667, MedGen C5436867, MONDO:0030880, OMIM 619127.

Submissions (2):

OMIM
Classification: Pathogenic for MANDIBULOACRAL DYSPLASIA PROGEROID SYNDROME. Last evaluated: 2020-12-16. Review status: no assertion criteria provided. Collection method: literature only. Allele origin: germline.

Marseille Medical Genetics, U1251, Aix Marseille University, Inserm
Classification: Pathogenic for Progeroid mandibuloacral dysplasia. Last evaluated: 2019-05-12. Review status: no assertion criteria provided. Collection method: research. Allele origin: germline. Affected: yes. Observed: 3 variant alleles. Clinical features observed: Growth retardation, Bird-like facies, Mandibular recession,, Distal acro-osteolyses, Lipodystrophy, Altered skin pigmentation, Renal focal glomerulosclerosis, Extremely severe hypertension.
Comment: Disorder with autosomal recessive inheritance

Literature cited by the submitters: PubMed 32917887 (cited by OMIM).

NM_006554.5(MTX2):c.603del (p.Tyr202fs)

Gene: MTX2 (metaxin 2; plus strand). Cytogenetic location: 2q31.1.
Variant type: Deletion.
Coding change: c.603del on transcript NM_006554.5 (MANE Select); coding-DNA position 603, one base deleted (G; older notation c.603delG).
Protein change: p.Tyr202fs; shifts the reading frame from tyrosine 202.
Molecular consequence: frameshift variant. On other transcripts: intron variant (1).
Genome position (GRCh38, 1-based): chr2:176,330,643, G deleted. VCF-style (leftmost placement, unchanged base first): chr2-176330642-CG-C. GRCh37 (hg19) VCF-style: chr2-177195370-CG-C.
Other names: c.573del, p.Tyr192fs (NM_001006635.3); c.534del, p.Tyr179fs (NM_001319097.2); c.543+1217del (NM_001319098.2); short protein forms Y179fs, Y192fs, Y202fs.
Identifiers: ClinVar variation 805940 (VCV000805940.5), dbSNP rs1575062987, ClinGen allele CA915942215.